The following is an entry in ClinVar:

NM_032638.5(GATA2):c.1097G>A (p.Gly366Glu)

Gene: GATA2 (GATA binding protein 2; minus strand). Cytogenetic location: 3q21.3.
Variant type: single nucleotide variant.
Coding change: c.1097G>A on transcript NM_032638.5 (MANE Select); coding-DNA position 1097, G replaced by A.
Protein change: p.Gly366Glu; replaces glycine 366 with glutamic acid.
Molecular consequence: missense variant.
Genome position (GRCh38, 1-based): chr3:128,481,865, C>T on the plus strand (G>A on the coding strand, the complement: GATA2 is on the minus strand). VCF-style: chr3-128481865-C-T. GRCh37 (hg19) VCF-style: chr3-128200708-C-T.
Other names: c.1097G>A, p.Gly366Glu (NM_001145661.2); c.1055G>A, p.Gly352Glu (NM_001145662.1); short protein forms G366E, G352E.
Identifiers: ClinVar variation 4789521 (VCV004789521.1).

ClinVar aggregate classification (germline): Uncertain significance (1 of 4 stars; one submission).

Conditions:
Monocytopenia with susceptibility to infections. Also called: MONOCYTOPENIA AND MYCOBACTERIAL INFECTION SYNDROME; MONOCYTOPENIA WITH SUSCEPTIBILITY TO MYCOBACTERIAL, FUNGAL, AND PAPILLOMAVIRUS INFECTIONS AND MYELODYSPLASIA; COMBINED IMMUNODEFICIENCY WITH SUSCEPTIBILITY TO MYCOBACTERIAL, VIRAL, AND FUNGAL INFECTIONS; Dendritic cell, monocyte, B lymphocyte, and natural killer lymphocyte deficiency; IMMUNODEFICIENCY 21; GATA2 DEFICIENCY. Identifiers: Orphanet 228423, MedGen C3280030, MONDO:0013607, OMIM 614172.
Deafness-lymphedema-leukemia syndrome. Also called: Lymphedema, primary, with myelodysplasia; Emberger syndrome. Identifiers: Orphanet 3226, MedGen C3279664, MONDO:0013540, OMIM 614038.

Submission:

Labcorp Genetics (formerly Invitae), Labcorp
Classification: Uncertain significance for Monocytopenia with susceptibility to infections; Deafness-lymphedema-leukemia syndrome. Last evaluated: 2025-09-27. Review status: criteria provided, single submitter. Criteria: Invitae Variant Classification Sherloc (09022015). Collection method: clinical testing. Allele origin: germline.
Comment: This sequence change replaces glycine, which is neutral and non-polar, with glutamic acid, which is acidic and polar, at codon 366 of the GATA2 protein (p.Gly366Glu). This variant is not present in population databases (gnomAD no frequency). This variant has not been reported in the literature in individuals affected with GATA2-related conditions. Invitae Evidence Modeling of protein sequence and biophysical properties (such as structural, functional, and spatial information, amino acid conservation, physicochemical variation, residue mobility, and thermodynamic stability) indicates that this missense variant is expected to disrupt GATA2 protein function with a positive predictive value of 95%. In summary, the available evidence is currently insufficient to determine the role of this variant in disease. Therefore, it has been classified as a Variant of Uncertain Significance.